The following is an entry in ClinVar:

NM_004813.4(PEX16):c.887+2T>G

Gene: PEX16 (peroxisomal biogenesis factor 16; minus strand). Cytogenetic location: 11p11.2.
Variant type: single nucleotide variant.
Coding change: c.887+2T>G on transcript NM_004813.4 (MANE Select); the canonical splice donor site of the intron after coding-DNA position 887, T replaced by G.
Molecular consequence: splice donor variant.
Genome position (GRCh38, 1-based): chr11:45,913,817, A>C on the plus strand (T>G on the coding strand, the complement: PEX16 is on the minus strand). VCF-style: chr11-45913817-A-C. GRCh37 (hg19) VCF-style: chr11-45935368-A-C.
Other names: c.887+2T>G (NM_057174.3).
Identifiers: ClinVar variation 1067989 (VCV001067989.7), dbSNP rs2134691627, ClinGen allele CA380225657.

ClinVar aggregate classification (germline): Likely pathogenic (1 of 4 stars; one submission).

Conditions:
Peroxisome biogenesis disorder. Identifiers: Orphanet 79189, MedGen C1832200, MONDO:0019234. Disease mechanism: loss of function.

Submission:

Labcorp Genetics (formerly Invitae), Labcorp
Classification: Likely pathogenic for Peroxisome biogenesis disorder. Last evaluated: 2022-10-13. Review status: criteria provided, single submitter. Criteria: Invitae Variant Classification Sherloc (09022015). Collection method: clinical testing. Allele origin: germline.
Comment: In summary, the currently available evidence indicates that the variant is pathogenic, but additional data are needed to prove that conclusively. Therefore, this variant has been classified as Likely Pathogenic. Algorithms developed to predict the effect of sequence changes on RNA splicing suggest that this variant may disrupt the consensus splice site. ClinVar contains an entry for this variant (Variation ID: 1067989). This variant has not been reported in the literature in individuals affected with PEX16-related conditions. This variant is not present in population databases (gnomAD no frequency). This sequence change affects a donor splice site in intron 9 of the PEX16 gene. It is expected to disrupt RNA splicing. Variants that disrupt the donor or acceptor splice site typically lead to a loss of protein function (PMID: 16199547), and loss-of-function variants in PEX16 are known to be pathogenic (PMID: 9837814, 11890679, 20647552, 20681997).

Literature cited by the submitters: PubMed 16199547; PubMed 9837814; PubMed 11890679; PubMed 20647552; PubMed 20681997.